The following is an entry in ClinVar:

ClinVar aggregate classification (germline): Uncertain significance (1 of 4 stars; one submission).

Conditions:
Epilepsy, progressive myoclonic, 1B. Also called: PME. Identifiers: Orphanet 308, MedGen C2676254, MONDO:0012904, OMIM 612437.

Allele frequency attached by ClinVar (database versions not stated): TOPMed below 0.00001; ExAC 0.00001; gnomAD exomes 0.00001.
gnomAD v4.1: 4 of 1,613,958 alleles (0.00025%); highest among the groups gnomAD compares: Admixed American, 0.005%; no homozygotes.

Submission:

Labcorp Genetics (formerly Invitae), Labcorp
Classification: Uncertain significance for Epilepsy, progressive myoclonic, 1B. Last evaluated: 2023-12-06. Review status: criteria provided, single submitter. Criteria: Invitae Variant Classification Sherloc (09022015). Collection method: clinical testing. Allele origin: germline.
Comment: This sequence change replaces arginine, which is basic and polar, with proline, which is neutral and non-polar, at codon 674 of the PRICKLE1 protein (p.Arg674Pro). This variant is present in population databases (rs748173327, gnomAD 0.009%). This variant has not been reported in the literature in individuals affected with PRICKLE1-related conditions. ClinVar contains an entry for this variant (Variation ID: 1406157). Advanced modeling of protein sequence and biophysical properties (such as structural, functional, and spatial information, amino acid conservation, physicochemical variation, residue mobility, and thermodynamic stability) performed at Invitae indicates that this missense variant is not expected to disrupt PRICKLE1 protein function with a negative predictive value of 80%. In summary, the available evidence is currently insufficient to determine the role of this variant in disease. Therefore, it has been classified as a Variant of Uncertain Significance.

NM_153026.3(PRICKLE1):c.2021G>C (p.Arg674Pro)

Gene: PRICKLE1 (prickle planar cell polarity protein 1; minus strand). Cytogenetic location: 12q12.
Variant type: single nucleotide variant.
Coding change: c.2021G>C on transcript NM_153026.3 (MANE Select); coding-DNA position 2021, G replaced by C.
Protein change: p.Arg674Pro; replaces arginine 674 with proline.
Molecular consequence: missense variant.
Genome position (GRCh38, 1-based): chr12:42,460,284, C>G on the plus strand (G>C on the coding strand, the complement: PRICKLE1 is on the minus strand). VCF-style: chr12-42460284-C-G. GRCh37 (hg19) VCF-style: chr12-42854086-C-G.
Other names: c.2021G>C, p.Arg674Pro (NM_001144881.2, NM_001144882.2, NM_001144883.2); short protein forms R674P.
Identifiers: ClinVar variation 1406157 (VCV001406157.6), dbSNP rs748173327, ClinGen allele CA6519664.